The following is an entry in ClinVar:

ClinVar aggregate classification (germline): Benign/Likely benign. Review status: criteria provided, multiple submitters, no conflicts (2 of 4 stars). 5 submissions from 5 submitters: Benign (1); Likely benign (3). 1 of the submissions does not count toward it. Last evaluated 2026-02-04.

Conditions:
Nemaline myopathy 2 (NEM2). Also called: Nemaline myopathy 2, autosomal recessive. Identifiers: MedGen C1850569, MONDO:0009725, OMIM 256030.
NEB-related disorder. Also called: NEB-Related Disorders; NEB-related condition.

Allele frequency attached by ClinVar (database versions not stated): ExAC 0.00027; 1000 Genomes Project 30x 0.00078; 1000 Genomes Project 0.00080; gnomAD 0.00084 and 0.00089; TOPMed 0.00095; ESP Exome Variant Server 0.00110; gnomAD exomes 0.00023.
gnomAD v4.1: 313 of 1,614,022 alleles (0.019%); highest among the groups gnomAD compares: African/African-American, 0.36%; 2 homozygotes.

Submissions (5):

Labcorp Genetics (formerly Invitae), Labcorp
Classification: Benign for Nemaline myopathy 2. Last evaluated: 2026-02-04. Review status: criteria provided, single submitter. Criteria: Invitae Variant Classification Sherloc (09022015). Collection method: clinical testing. Allele origin: germline.

Blueprint Genetics
Classification: Likely benign. Last evaluated: 2024-11-11. Review status: criteria provided, single submitter. Criteria: ACMG Guidelines, 2015. Collection method: clinical testing. Allele origin: germline.

CeGaT Center for Human Genetics Tuebingen
Classification: Likely benign. Last evaluated: 2022-10-01. Review status: criteria provided, single submitter. Criteria: CeGaT Center For Human Genetics Tuebingen Variant Classification Criteria Version 2. Collection method: clinical testing. Allele origin: germline. Affected: yes. Observed: 1 variant allele.
Comment: NEB: BP4, BP7

GeneDx
Classification: Likely benign. Last evaluated: 2021-03-12. Review status: criteria provided, single submitter. Criteria: GeneDx Variant Classification Process June 2021. Collection method: clinical testing. Allele origin: germline. Affected: yes.

PreventionGenetics, part of Exact Sciences
Classification: Likely benign for NEB-related condition. Last evaluated: 2020-02-26. Review status: no assertion criteria provided. Collection method: clinical testing. Allele origin: germline. Not counted in ClinVar's aggregate classification.
Comment: This variant is classified as likely benign based on ACMG/AMP sequence variant interpretation guidelines (Richards et al. 2015 PMID: 25741868, with internal and published modifications).

NM_001164508.2(NEB):c.9354A>G (p.Thr3118=)

Gene: NEB (nebulin; minus strand). Cytogenetic location: 2q23.3.
Variant type: single nucleotide variant.
Coding change: c.9354A>G on transcript NM_001164508.2 (MANE Select); coding-DNA position 9354, A replaced by G.
Protein change: p.Thr3118=; no amino-acid change (threonine 3118 retained).
Molecular consequence: synonymous variant. On other transcripts: intron variant (1).
Genome position (GRCh38, 1-based): chr2:151,633,714, T>C on the plus strand (A>G on the coding strand, the complement: NEB is on the minus strand). VCF-style: chr2-151633714-T-C. GRCh37 (hg19) VCF-style: chr2-152490228-T-C.
Other names: c.9354A>G, p.Thr3118= (NM_001164507.2, NM_001271208.2); c.8854-2536A>G (NM_004543.5).
Identifiers: ClinVar variation 383118 (VCV000383118.40), dbSNP rs187637065, ClinGen allele CA1909353.
Genomic context (GRCh38, chr2:151,633,714, plus strand): 5'-GTCACTCTGGAGGTCATAGGCCTGCCGAGCATGGATGACATCGCTCTGGTCAGGCAGGCA[T>C]GTCCACTCGTGCAGGTAGTTCTTATAGTCCACGTCACTGACTAAGGTCTGGCACTTCTTG-3'
Protein context (NP_001157980.2, residues 3108-3128): VDYKNYLHEW[Thr3118=]CLPDQSDVIH